The following is an entry in ClinVar:

ClinVar aggregate classification (germline): Uncertain significance (1 of 4 stars; one submission).

Submission:

Ambry Genetics
Classification: Uncertain significance. Last evaluated: 2021-02-17. Review status: criteria provided, single submitter. Criteria: Ambry Variant Classification Scheme 2023. Collection method: clinical testing. Allele origin: germline.
Comment: The p.A26E variant (also known as c.77C>A), located in coding exon 1 of the GALNT12 gene, results from a C to A substitution at nucleotide position 77. The alanine at codon 26 is replaced by glutamic acid, an amino acid with dissimilar properties. This amino acid position is highly conserved in available vertebrate species. In addition, this alteration is predicted to be tolerated by in silico analysis. Since supporting evidence is limited at this time, the clinical significance of this alteration remains unclear.

NM_024642.5(GALNT12):c.77C>A (p.Ala26Glu)

Genes: GALNT12 (polypeptide N-acetylgalactosaminyltransferase 12; plus strand), LOC130002222 (ATAC-STARR-seq lymphoblastoid silent region 20123; plus strand). Cytogenetic location: 9q22.33.
Variant type: single nucleotide variant.
Coding change: c.77C>A on transcript NM_024642.5 (MANE Select); coding-DNA position 77, C replaced by A.
Protein change: p.Ala26Glu; replaces alanine 26 with glutamic acid.
Molecular consequence: missense variant.
Genome position (GRCh38, 1-based): chr9:98,807,775, C>A. VCF-style: chr9-98807775-C-A. GRCh37 (hg19) VCF-style: chr9-101570057-C-A.
Other names: short protein forms A26E.
Identifiers: ClinVar variation 1760678 (VCV001760678.2), dbSNP rs2118255514, ClinGen allele CA374222198.